The following is an entry in ClinVar:

ClinVar aggregate classification (germline): Uncertain significance. Review status: criteria provided, multiple submitters, no conflicts (2 of 4 stars). 2 submissions from 2 submitters: Uncertain significance (2). Last evaluated 2025-04-03.

Conditions:
Inborn genetic diseases. Identifiers: MedGen C0950123, MeSH D030342.

Allele frequency attached by ClinVar (database versions not stated): gnomAD exomes 0.00001.
gnomAD v4.1: 5 of 1,606,138 alleles (0.00031%); highest among the groups gnomAD compares: Admixed American, 0.005%; no homozygotes.

Submissions (2):

Ambry Genetics
Classification: Uncertain significance for Inborn genetic diseases. Last evaluated: 2025-04-03. Review status: criteria provided, single submitter. Criteria: Ambry Variant Classification Scheme 2023. Collection method: clinical testing. Allele origin: germline.

Labcorp Genetics (formerly Invitae), Labcorp
Classification: Uncertain significance. Last evaluated: 2023-11-21. Review status: criteria provided, single submitter. Criteria: Invitae Variant Classification Sherloc (09022015). Collection method: clinical testing. Allele origin: germline.
Comment: This sequence change replaces proline, which is neutral and non-polar, with arginine, which is basic and polar, at codon 1758 of the ARID1A protein (p.Pro1758Arg). This variant is present in population databases (no rsID available, gnomAD 0.003%). This variant has not been reported in the literature in individuals affected with ARID1A-related conditions. Advanced modeling of protein sequence and biophysical properties (such as structural, functional, and spatial information, amino acid conservation, physicochemical variation, residue mobility, and thermodynamic stability) performed at Invitae indicates that this missense variant is not expected to disrupt ARID1A protein function with a negative predictive value of 80%. In summary, the available evidence is currently insufficient to determine the role of this variant in disease. Therefore, it has been classified as a Variant of Uncertain Significance.

NM_006015.6(ARID1A):c.5273C>G (p.Pro1758Arg)

Gene: ARID1A (AT-rich interaction domain 1A; plus strand). Cytogenetic location: 1p36.11.
Variant type: single nucleotide variant.
Coding change: c.5273C>G on transcript NM_006015.6 (MANE Select); coding-DNA position 5273, C replaced by G.
Protein change: p.Pro1758Arg; replaces proline 1758 with arginine.
Molecular consequence: missense variant.
Genome position (GRCh38, 1-based): chr1:26,779,171, C>G. VCF-style: chr1-26779171-C-G. GRCh37 (hg19) VCF-style: chr1-27105662-C-G.
Other names: c.4622C>G, p.Pro1541Arg (NM_139135.4); short protein forms P1541R, P1758R.
Identifiers: ClinVar variation 2987714 (VCV002987714.4), dbSNP rs971354921, ClinGen allele CA19815167.